The following is an entry in ClinVar:

ClinVar aggregate classification (germline): Uncertain significance (1 of 4 stars; one submission).

Conditions:
Vici syndrome (VICIS). Identifiers: Orphanet 1493, MedGen C1855772, MONDO:0009452, OMIM 242840.

Submission:

Labcorp Genetics (formerly Invitae), Labcorp
Classification: Uncertain significance for Vici syndrome. Last evaluated: 2021-06-01. Review status: criteria provided, single submitter. Criteria: Invitae Variant Classification Sherloc (09022015). Collection method: clinical testing. Allele origin: germline.
Comment: In summary, the available evidence is currently insufficient to determine the role of this variant in disease. Therefore, it has been classified as a Variant of Uncertain Significance. Algorithms developed to predict the effect of missense changes on protein structure and function are either unavailable or do not agree on the potential impact of this missense change (SIFT: "Tolerated"; PolyPhen-2: "Probably Damaging"; Align-GVGD: "Class C0"). This variant has not been reported in the literature in individuals with EPG5-related conditions. This variant is not present in population databases (ExAC no frequency). This sequence change replaces asparagine with lysine at codon 1240 of the EPG5 protein (p.Asn1240Lys). The asparagine residue is moderately conserved and there is a moderate physicochemical difference between asparagine and lysine.

NM_020964.3(EPG5):c.3720C>A (p.Asn1240Lys)

Gene: EPG5 (ectopic P-granules 5 autophagy tethering factor; minus strand). Cytogenetic location: 18q21.1.
Variant type: single nucleotide variant.
Coding change: c.3720C>A on transcript NM_020964.3 (MANE Select); coding-DNA position 3720, C replaced by A.
Protein change: p.Asn1240Lys; replaces asparagine 1240 with lysine.
Molecular consequence: missense variant.
Genome position (GRCh38, 1-based): chr18:45,913,802, G>T on the plus strand (C>A on the coding strand, the complement: EPG5 is on the minus strand). VCF-style: chr18-45913802-G-T. GRCh37 (hg19) VCF-style: chr18-43493767-G-T.
Other names: short protein forms N1240K.
Identifiers: ClinVar variation 1431033 (VCV001431033.9), dbSNP rs2145694247, ClinGen allele CA402341324.
Genomic context (GRCh38, chr18:45,913,802, plus strand): 5'-CACCAATTCCCCTTCAATAACTCTCCGGAGCTGGGAGTCCTCTTCAAAGATGGATTCCAT[G>T]TTGAGCACTGTCCAGGCAAACCAGACCTATAATGACACCAGATAAAGGGGAGGGGAAGGA-3'
Protein context (NP_066015.2, residues 1230-1250): TQVWFAWTVL[Asn1240Lys]MESIFEEDSQ